The following is an entry in ClinVar:

NM_001197104.2(KMT2A):c.10608del (p.Thr3537fs)

Gene: KMT2A (lysine methyltransferase 2A; plus strand). Cytogenetic location: 11q23.3.
Variant type: Deletion.
Coding change: c.10608del on transcript NM_001197104.2 (MANE Select); coding-DNA position 10608, one base deleted (C; older notation c.10608delC).
Protein change: p.Thr3537fs; shifts the reading frame from threonine 3537.
Molecular consequence: frameshift variant.
Genome position (GRCh38, 1-based): chr11:118,506,500, C deleted; the last of 3 consecutive C bases (chr11:118,506,498-118,506,500); deleting any one gives the same sequence. VCF-style (leftmost placement, unchanged base first): chr11-118506497-TC-T. GRCh37 (hg19) VCF-style: chr11-118377212-TC-T.
Other names: c.10698delC, p.Thr3567Leufs (NM_001412597.1); c.10599del, p.Thr3534fs (NM_005933.4); short protein forms T3534fs, T3537fs.
Identifiers: ClinVar variation 2024944 (VCV002024944.4), dbSNP rs2497032713, ClinGen allele CA2580083673.

ClinVar aggregate classification (germline): Pathogenic (1 of 4 stars; one submission).

Submission:

Labcorp Genetics (formerly Invitae), Labcorp
Classification: Pathogenic. Last evaluated: 2022-10-06. Review status: criteria provided, single submitter. Criteria: Invitae Variant Classification Sherloc (09022015). Collection method: clinical testing. Allele origin: germline.
Comment: This variant has not been reported in the literature in individuals affected with KMT2A-related conditions. This variant is not present in population databases (gnomAD no frequency). This sequence change creates a premature translational stop signal (p.Thr3537Leufs*14) in the KMT2A gene. It is expected to result in an absent or disrupted protein product. Loss-of-function variants in KMT2A are known to be pathogenic (PMID: 22795537, 25574841, 25810209, 28120103, 29574747, 31157197, 31337854). For these reasons, this variant has been classified as Pathogenic.

Literature cited by the submitters: PubMed 22795537; PubMed 25574841; PubMed 25810209; PubMed 28120103; PubMed 29574747; PubMed 31157197; PubMed 31337854.